The following is an entry in ClinVar:

NM_004562.3(PRKN):c.1096C>T (p.Arg366Trp)

Gene: PRKN (parkin RBR E3 ubiquitin protein ligase; minus strand). Cytogenetic location: 6q26.
Variant type: single nucleotide variant.
Coding change: c.1096C>T on transcript NM_004562.3 (MANE Select); coding-DNA position 1096, C replaced by T.
Protein change: p.Arg366Trp; replaces arginine 366 with tryptophan.
Molecular consequence: missense variant.
Genome position (GRCh38, 1-based): chr6:161,386,865, G>A on the plus strand (C>T on the coding strand, the complement: PRKN is on the minus strand). VCF-style: chr6-161386865-G-A. GRCh37 (hg19) VCF-style: chr6-161807897-G-A.
Other names: c.1012C>T, p.Arg338Trp (NM_013987.3); c.649C>T, p.Arg217Trp (NM_013988.3); short protein forms R366W, R217W, R338W.
Identifiers: ClinVar variation 41220 (VCV000041220.18), dbSNP rs56092260, ClinGen allele CA344223.

ClinVar aggregate classification (germline): Conflicting classifications of pathogenicity. Review status: criteria provided, conflicting classifications (1 of 4 stars). 4 submissions from 4 submitters: Uncertain significance (1); Benign (1); Likely benign (1). 1 of the submissions does not count toward it. Last evaluated 2025-12-24.

Conditions:
Autosomal recessive juvenile Parkinson disease 2. Also called: PARKINSON DISEASE, JUVENILE, AUTOSOMAL RECESSIVE; Parkinson disease, juvenile, type 2; PRKN-Related Early-Onset Parkinson Disease; Parkinson disease autosomal recessive, early onset; Juvenile parkinsonism; Parkinsonism, early onset, with diurnal fluctuation. Identifiers: Orphanet 2828, MedGen C1868675, MONDO:0010820, OMIM 600116.

Allele frequency attached by ClinVar (database versions not stated): gnomAD 0.00012 and 0.00019; TOPMed 0.00016; gnomAD exomes 0.00022 and 0.00028; ExAC 0.00023; ESP Exome Variant Server 0.00031; 1000 Genomes Project 0.00120; 1000 Genomes Project 30x 0.00172.
gnomAD v4.1: 349 of 1,613,850 alleles (0.022%); highest among the groups gnomAD compares: East Asian, 0.62%; 1 homozygote.

Submissions (4):

Labcorp Genetics (formerly Invitae), Labcorp
Classification: Likely benign. Last evaluated: 2025-12-24. Review status: criteria provided, single submitter. Criteria: Invitae Variant Classification Sherloc (09022015). Collection method: clinical testing. Allele origin: germline.

Mayo Clinic Laboratories, Mayo Clinic
Classification: Uncertain significance. Last evaluated: 2025-02-02. Review status: criteria provided, single submitter. Criteria: ACMG Guidelines, 2015. Collection method: clinical testing. Allele origin: germline. Observed: 1 variant allele.
Comment: BS1, BP4, PM3_supporting

Illumina Laboratory Services, Illumina
Classification: Benign for Autosomal recessive juvenile Parkinson disease 2. Last evaluated: 2017-04-27. Review status: criteria provided, single submitter. Criteria: ICSL Variant Classification Criteria 13 December 2019. Collection method: clinical testing. Allele origin: germline.
Comment: This variant was observed as part of a predisposition screen in an ostensibly healthy population. A literature search was performed for the gene, cDNA change, and amino acid change (where applicable). Publications were found based on this search. The evidence from the literature, in combination with allele frequency data from public databases where available, was sufficient to rule this variant out of causing disease. Therefore, this variant is classified as benign.

GeneReviews
No classification provided. Condition: Autosomal recessive juvenile Parkinson disease 2. Review status: no classification provided. Collection method: literature only. Allele origin: unknown. Not counted in ClinVar's aggregate classification.

Literature cited by the submitters: PubMed 10319889 (cited by 3 submitters); PubMed 12975291 (cited by 3 submitters); PubMed 19909784 (cited by Mayo Clinic Laboratories, Mayo Clinic); PubMed 32446772 (cited by Mayo Clinic Laboratories, Mayo Clinic); PubMed 37198191 (cited by Mayo Clinic Laboratories, Mayo Clinic); PubMed 20301651 (cited by GeneReviews); NCBI Bookshelf NBK1478 (cited by GeneReviews).